The following is an entry in ClinVar:

NM_012062.5(DNM1L):c.2094TCT[1] (p.Leu700del)

Gene: DNM1L (dynamin 1L; plus strand). Cytogenetic location: 12p11.21.
Variant type: Microsatellite.
Coding change: c.2094TCT[1] on transcript NM_012062.5 (MANE Select); one copy of the 3-base unit TCT starting at c.2094; the reference has two copies in a row; one copy, 3 bases deleted; also written c.2097_2099del.
Protein change: p.Leu700del; deletes leucine 700.
Molecular consequence: inframe deletion.
Genome position (GRCh38, 1-based): chr12:32,742,691-32,742,693, TCT deleted; deleting any 3 consecutive bases within chr12:32,742,688-32,742,693 gives the same sequence; the position shown is the placement nearest the transcript's 3' end. VCF-style (leftmost placement, unchanged base first): chr12-32742687-ATCT-A. GRCh37 (hg19) VCF-style: chr12-32895621-ATCT-A.
Other names: p.L700del; c.2061TCT[1], p.Leu689del (NM_001278463.2); c.2133TCT[1], p.Leu713del (NM_001278464.2); c.2100TCT[1], p.Leu702del (NM_001278465.2); c.1485TCT[1], p.Leu497del (NM_001278466.2); c.2022TCT[1], p.Leu676del (NM_001330380.2); c.1983TCT[1], p.Leu663del (NM_005690.5); c.2016TCT[1], p.Leu674del (NM_012063.4); and 1 more; short protein forms L497del, L663del, L674del, L676del, L689del, L700del, L702del, L713del.
Identifiers: ClinVar variation 1189761 (VCV001189761.7), dbSNP rs2137612089, ClinGen allele CA2580615155.
Genomic context (GRCh38, chr12:32,742,687, plus strand): 5'-TGAAAGACACTCTTCAGAGTGAGCTAGTAGGCCAGCTGTATAAATCATCCTTATTGGATG[ATCT>A]TCTGACAGAATCTGAGGACATGGCACAGCGCAGGAAAGAAGCAGCTGATATGCTAAAGGT-3'

ClinVar aggregate classification (germline): Likely pathogenic. Review status: criteria provided, multiple submitters, no conflicts (2 of 4 stars). 3 submissions from 3 submitters: Likely pathogenic (3). Last evaluated 2025-08-22.

Conditions:
DNM1L-related movement disorder.

Submissions (3):

Dasa
Classification: Likely pathogenic. Last evaluated: 2025-08-22. Review status: criteria provided, single submitter. Criteria: DASA Assertion Criteria. Collection method: clinical testing. Allele origin: germline.
Comment: NM_012062.5(DNM1L):c.2097_2099del (p.Leu700del) is an in-frame deletion predicted to remove leucine at protein position 700 without shifting the reading frame. This variant has been reported as a de novo occurrence in an affected individual (PMID: 38341530; PMID: 40015167; PMID: 29877124). Published studies describe this variant in association with related phenotype (PMID: 38341530; PMID: 40015167; PMID: 29877124). Also, this variant is absent from population databases. Based on the currently available evidence, this variant is classified as likely pathogenic.

Undiagnosed Diseases Network, NIH
Classification: Likely pathogenic for DNM1L-related movement disorder. Last evaluated: 2021-08-13. Review status: criteria provided, single submitter. Criteria: ACMG Guidelines, 2015. Collection method: clinical testing. Allele origin: paternal. Inheritance: Autosomal dominant inheritance. Affected: yes. Observed: 1 variant allele, 1 heterozygote. Study: Undiagnosed Diseases Network (NIH), UDN.

GeneDx
Classification: Likely pathogenic. Last evaluated: 2020-12-24. Review status: criteria provided, single submitter. Criteria: GeneDx Variant Classification Process June 2021. Collection method: clinical testing. Allele origin: germline. Affected: yes.
Comment: In-frame deletion of 1 amino acid in a non-repeat region; Not observed in large population cohorts (Lek et al., 2016); Has not been previously published as pathogenic or benign to our knowledge; In silico analysis, which includes protein predictors and evolutionary conservation, supports a deleterious effect

Literature cited by the submitters: PubMed 38341530 (cited by Dasa); PubMed 40015167 (cited by Dasa); PubMed 29877124 (cited by Dasa).